The following is an entry in ClinVar:

NM_021005.4(NR2F2):c.1073C>T (p.Thr358Met)

Gene: NR2F2 (nuclear receptor subfamily 2 group F member 2; plus strand). Cytogenetic location: 15q26.2.
Variant type: single nucleotide variant.
Coding change: c.1073C>T on transcript NM_021005.4 (MANE Select); coding-DNA position 1073, C replaced by T.
Protein change: p.Thr358Met; replaces threonine 358 with methionine.
Molecular consequence: missense variant.
Genome position (GRCh38, 1-based): chr15:96,337,450, C>T. VCF-style: chr15-96337450-C-T. GRCh37 (hg19) VCF-style: chr15-96880679-C-T.
Other names: c.674C>T, p.Thr225Met (NM_001145155.2); c.614C>T, p.Thr205Met (NM_001145156.1, NM_001145157.2); short protein forms T358M, T205M, T225M.
Identifiers: ClinVar variation 3673584 (VCV003673584.3).

ClinVar aggregate classification (germline): Uncertain significance. Review status: criteria provided, multiple submitters, no conflicts (2 of 4 stars). 2 submissions from 2 submitters: Uncertain significance (2). Last evaluated 2024-05-06.

Conditions:
Congenital heart defects, multiple types, 4 (CHTD4). Identifiers: MedGen C4014310, MONDO:0014344, OMIM 615779.

gnomAD v4.1: 3 of 1,614,032 alleles (0.00019%); highest among the groups gnomAD compares: African/African-American, 0.0013%; no homozygotes.

Submissions (2):

Labcorp Genetics (formerly Invitae), Labcorp
Classification: Uncertain significance for Congenital heart defects, multiple types, 4. Last evaluated: 2024-05-06. Review status: criteria provided, single submitter. Criteria: Invitae Variant Classification Sherloc (09022015). Collection method: clinical testing. Allele origin: germline.
Comment: This sequence change replaces threonine, which is neutral and polar, with methionine, which is neutral and non-polar, at codon 358 of the NR2F2 protein (p.Thr358Met). This variant is present in population databases (no rsID available, gnomAD 0.01%). This variant has not been reported in the literature in individuals affected with NR2F2-related conditions. Advanced modeling of protein sequence and biophysical properties (such as structural, functional, and spatial information, amino acid conservation, physicochemical variation, residue mobility, and thermodynamic stability) performed at Invitae indicates that this missense variant is not expected to disrupt NR2F2 protein function with a negative predictive value of 80%. In summary, the available evidence is currently insufficient to determine the role of this variant in disease. Therefore, it has been classified as a Variant of Uncertain Significance.

Blueprint Genetics
Classification: Uncertain significance. Last evaluated: 2023-08-16. Review status: criteria provided, single submitter. Criteria: ACMG Guidelines, 2015. Collection method: clinical testing. Allele origin: germline.